The following is an entry in ClinVar:

NM_001378030.1(CCDC78):c.954-8C>A

Gene: CCDC78 (coiled-coil domain containing 78; minus strand). Cytogenetic location: 16p13.3.
Variant type: single nucleotide variant.
Coding change: c.954-8C>A on transcript NM_001378030.1 (MANE Select); 8 bases into the intron before coding-DNA position 954, C replaced by A.
Molecular consequence: intron variant.
Genome position (GRCh38, 1-based): chr16:724,213, G>T on the plus strand (C>A on the coding strand, the complement: CCDC78 is on the minus strand). VCF-style: chr16-724213-G-T. GRCh37 (hg19) VCF-style: chr16-774213-G-T.
Other names: c.387-8C>A (NM_001378033.1); c.953+109C>A (NM_001378031.1); c.954-8C>A (NM_001031737.3).
Identifiers: ClinVar variation 2633946 (VCV002633946.1), dbSNP rs2543994660, ClinGen allele CA2575865235.
Genomic context (GRCh38, chr16:724,213, plus strand): 5'-GTTCCAGGTCCAAGCTGGCTATGTCAAAAATAGCTTGGGGGTTCCCAGGTGCCCTGTCAG[G>T]GTAGGCTAGTGTCTGTCTGGGGCCACTCCTGCTGCACACCAAGCCTTTGAGGCACAGAGG-3'

ClinVar aggregate classification (germline): Uncertain significance (1 of 4 stars; one submission).

Conditions:
CCDC78-related disorder. Also called: CCDC78-related condition.

Allele frequency attached by ClinVar (database versions not stated): gnomAD exomes 0.00001.

Submission:

PreventionGenetics, part of Exact Sciences
Classification: Uncertain significance for CCDC78-related condition. Last evaluated: 2023-10-04. Review status: criteria provided, single submitter. Criteria: ACMG Guidelines, 2015. Collection method: clinical testing. Allele origin: germline.
Comment: The CCDC78 c.954-8C>A variant is predicted to interfere with splicing. To our knowledge, this variant has not been reported in the literature or in a large population database, indicating this variant is rare. At this time, the clinical significance of this variant is uncertain due to the absence of conclusive functional and genetic evidence.